The following is an entry in ClinVar:

NM_007294.4(BRCA1):c.328A>T (p.Lys110Ter)

Gene: BRCA1 (BRCA1 DNA repair associated; minus strand). Cytogenetic location: 17q21.31.
Variant type: single nucleotide variant.
Coding change: c.328A>T on transcript NM_007294.4 (MANE Select); coding-DNA position 328, A replaced by T.
Protein change: p.Lys110Ter; replaces lysine 110 with a stop codon.
Molecular consequence: nonsense. On other transcripts: non-coding transcript variant (1).
Genome position (GRCh38, 1-based): chr17:43,104,235, T>A on the plus strand (A>T on the coding strand, the complement: BRCA1 is on the minus strand). VCF-style: chr17-43104235-T-A. GRCh37 (hg19) VCF-style: chr17-41256252-T-A.
Other names: c.118A>T, p.Lys40Ter (NM_001407571.1, NM_001407853.1, NM_001407879.1 and 58 more transcripts); c.328A>T, p.Lys110Ter (NM_001407581.1, NM_001407582.1, NM_001407583.1 and 165 more transcripts); c.319A>T, p.Lys107Ter (NM_001407646.1, NM_001407647.1, NM_001408408.1); c.250A>T, p.Lys84Ter (NM_001407653.1, NM_001407654.1, NM_001407655.1 and 21 more transcripts); c.187A>T, p.Lys63Ter (NM_001407692.1, NM_001407694.1, NM_001407695.1 and 99 more transcripts); c.-54A>T (NM_001407959.1, NM_001407960.1, NM_001407962.1 and 4 more transcripts); c.196A>T, p.Lys66Ter (NM_001408451.1); short protein forms K110*, K63*, K40*, K84*, K66*, K107*.
Identifiers: ClinVar variation 963052 (VCV000963052.9), dbSNP rs878854946, ClinGen allele CA10601490.
Genomic context (GRCh38, chr17:43,104,235, plus strand): 5'-AGCCCATACTTTGGATGATAGAAACTTCATCTTTTAGATGTTCAGGAGAGTTATTTTCCT[T>A]TTTTGCAAAATTATAGCTGTTTGCATCTGTAAAATACAAGGGAAAACATTATGTTTGCAG-3'

ClinVar aggregate classification (germline): Pathogenic (1 of 4 stars; one submission).

Conditions:
Hereditary breast ovarian cancer syndrome. Also called: BRCA1- and BRCA2-Associated Hereditary Breast and Ovarian Cancer; Hereditary breast and ovarian cancer; Hereditary breast and/or ovarian cancer syndrome; Hereditary breast and ovarian cancer syndrome; Hereditary breast and ovarian cancer syndrome (HBOC); Breast and ovarian cancer. Identifiers: Orphanet 145, MedGen C0677776, MeSH D061325, MONDO:0003582. Disease mechanism: loss of function.

Submission:

Labcorp Genetics (formerly Invitae), Labcorp
Classification: Pathogenic for Hereditary breast ovarian cancer syndrome. Last evaluated: 2022-08-21. Review status: criteria provided, single submitter. Criteria: Invitae Variant Classification Sherloc (09022015). Collection method: clinical testing. Allele origin: germline.
Comment: ClinVar contains an entry for this variant (Variation ID: 963052). This sequence change creates a premature translational stop signal (p.Lys110*) in the BRCA1 gene. It is expected to result in an absent or disrupted protein product. Loss-of-function variants in BRCA1 are known to be pathogenic (PMID: 20104584). This variant is not present in population databases (gnomAD no frequency). This variant has not been reported in the literature in individuals affected with BRCA1-related conditions. For these reasons, this variant has been classified as Pathogenic.

Literature cited by the submitters: PubMed 20104584.